The following is an entry in ClinVar:

ClinVar aggregate classification (germline): Conflicting classifications of pathogenicity. Review status: criteria provided, conflicting classifications (1 of 4 stars). 7 submissions from 7 submitters: Uncertain significance (1); Likely benign (5). 1 of the submissions does not count toward it. Last evaluated 2026-01-15.

Conditions:
SPG11-related disorder. Also called: SPG11-related condition.
Hereditary spastic paraplegia 11. Also called: Spastic paraplegia, mental retardation and thin corpus callosum; Spastic Paraplegia 11; SPASTIC PARAPLEGIA, AUTOSOMAL RECESSIVE, COMPLICATED, WITH THIN CORPUS CALLOSUM; SPASTIC PARAPLEGIA, AUTOSOMAL RECESSIVE, WITH MENTAL IMPAIRMENT AND THIN CORPUS CALLOSUM; Nakamura Osame syndrome; Autosomal recessive hereditary spastic paraplegia, mental impairment, and thin corpus callosum. Identifiers: Orphanet 2822, MedGen C1858479, MONDO:0011445, OMIM 604360.

Allele frequency attached by ClinVar (database versions not stated): ExAC 0.00006; ESP Exome Variant Server 0.00008; gnomAD exomes 0.00009 and 0.00024; TOPMed 0.00013; gnomAD 0.00017 and 0.00019.
gnomAD v4.1: 373 of 1,614,106 alleles (0.023%); highest among the groups gnomAD compares: Non-Finnish European, 0.031%; no homozygotes.

Submissions (7):

Labcorp Genetics (formerly Invitae), Labcorp
Classification: Likely benign for Hereditary spastic paraplegia 11. Last evaluated: 2026-01-15. Review status: criteria provided, single submitter. Criteria: Invitae Variant Classification Sherloc (09022015). Collection method: clinical testing. Allele origin: germline.

Mayo Clinic Laboratories, Mayo Clinic
Classification: Likely benign. Last evaluated: 2025-12-17. Review status: criteria provided, single submitter. Criteria: ACMG Guidelines, 2015. Collection method: clinical testing. Allele origin: germline. Observed: 2 variant alleles.
Comment: BP4, BP7

Blueprint Genetics
Classification: Likely benign. Last evaluated: 2024-06-14. Review status: criteria provided, single submitter. Criteria: ACMG Guidelines, 2015. Collection method: clinical testing. Allele origin: germline.

CeGaT Center for Human Genetics Tuebingen
Classification: Likely benign. Last evaluated: 2024-05-01. Review status: criteria provided, single submitter. Criteria: CeGaT Center For Human Genetics Tuebingen Variant Classification Criteria Version 2. Collection method: clinical testing. Allele origin: germline. Affected: yes. Observed: 2 variant alleles.
Comment: SPG11: BP4, BP7

Athena Diagnostics
Classification: Likely benign. Last evaluated: 2021-05-12. Review status: criteria provided, single submitter. Criteria: Athena Diagnostics criteria. Collection method: clinical testing. Allele origin: unknown.

Illumina Laboratory Services, Illumina
Classification: Uncertain significance for Hereditary spastic paraplegia 11. Last evaluated: 2018-01-13. Review status: criteria provided, single submitter. Criteria: ICSL Variant Classification Criteria 13 December 2019. Collection method: clinical testing. Allele origin: germline.

PreventionGenetics, part of Exact Sciences
Classification: Likely benign for SPG11-related condition. Last evaluated: 2021-12-30. Review status: no assertion criteria provided. Collection method: clinical testing. Allele origin: germline. Not counted in ClinVar's aggregate classification.
Comment: This variant is classified as likely benign based on ACMG/AMP sequence variant interpretation guidelines (Richards et al. 2015 PMID: 25741868, with internal and published modifications).

NM_025137.4(SPG11):c.5796T>C (p.His1932=)

Gene: SPG11 (SPG11 vesicle trafficking associated, spatacsin; minus strand). Cytogenetic location: 15q21.1.
Variant type: single nucleotide variant.
Coding change: c.5796T>C on transcript NM_025137.4 (MANE Select); coding-DNA position 5796, T replaced by C.
Protein change: p.His1932=; no amino-acid change (histidine 1932 retained).
Molecular consequence: synonymous variant.
Genome position (GRCh38, 1-based): chr15:44,583,884, A>G on the plus strand (T>C on the coding strand, the complement: SPG11 is on the minus strand). VCF-style: chr15-44583884-A-G. GRCh37 (hg19) VCF-style: chr15-44876082-A-G.
Other names: p.His1932=; c.5796T>C, p.His1932= (NM_001160227.2).
Identifiers: ClinVar variation 698128 (VCV000698128.43), dbSNP rs375350193, ClinGen allele CA7534347.